The following is an entry in ClinVar:

ClinVar aggregate classification (germline): Likely benign (1 of 4 stars; one submission).

Allele frequency attached by ClinVar (database versions not stated): gnomAD exomes 0.00015; TOPMed 0.00023; gnomAD 0.00032; ExAC 0.00044; 1000 Genomes Project 30x 0.00172; 1000 Genomes Project 0.00200.
gnomAD v4.1: 292 of 1,607,416 alleles (0.018%); highest among the groups gnomAD compares: East Asian, 0.31%; 4 homozygotes.

Submission:

CeGaT Center for Human Genetics Tuebingen
Classification: Likely benign. Last evaluated: 2023-03-01. Review status: criteria provided, single submitter. Criteria: CeGaT Center For Human Genetics Tuebingen Variant Classification Criteria Version 2. Collection method: clinical testing. Allele origin: germline. Affected: yes. Observed: 1 variant allele.
Comment: USP42: BP4, BP7

NM_032172.3(USP42):c.153A>G (p.Thr51=)

Gene: USP42 (ubiquitin specific peptidase 42; plus strand). Cytogenetic location: 7p22.1.
Variant type: single nucleotide variant.
Coding change: c.153A>G on transcript NM_032172.3 (MANE Select); coding-DNA position 153, A replaced by G.
Protein change: p.Thr51=; no amino-acid change (threonine 51 retained).
Molecular consequence: synonymous variant.
Genome position (GRCh38, 1-based): chr7:6,111,286, A>G. VCF-style: chr7-6111286-A-G. GRCh37 (hg19) VCF-style: chr7-6150917-A-G.
Other names: c.153A>G, p.Thr51= (NM_001365764.1, NM_001389650.1).
Identifiers: ClinVar variation 2657296 (VCV002657296.24), dbSNP rs2301912, ClinGen allele CA4151436.